The following is an entry in ClinVar:

NM_004329.3(BMPR1A):c.607G>A (p.Gly203Arg)

Gene: BMPR1A (bone morphogenetic protein receptor type 1A; plus strand). Cytogenetic location: 10q23.2.
Variant type: single nucleotide variant.
Coding change: c.607G>A on transcript NM_004329.3 (MANE Select); coding-DNA position 607, G replaced by A.
Protein change: p.Gly203Arg; replaces glycine 203 with arginine.
Molecular consequence: missense variant.
Genome position (GRCh38, 1-based): chr10:86,912,316, G>A. VCF-style: chr10-86912316-G-A. GRCh37 (hg19) VCF-style: chr10-88672073-G-A.
Other names: short protein forms G203R.
Identifiers: ClinVar variation 1009519 (VCV001009519.10), dbSNP rs1843503336, ClinGen allele CA377454742.

ClinVar aggregate classification (germline): Uncertain significance (1 of 4 stars; one submission).

Conditions:
Juvenile polyposis syndrome (JPS). Identifiers: Orphanet 2929, MedGen C0345893, MONDO:0017380, OMIM 174900.

Submission:

Labcorp Genetics (formerly Invitae), Labcorp
Classification: Uncertain significance for Juvenile polyposis syndrome. Last evaluated: 2020-02-07. Review status: criteria provided, single submitter. Criteria: Invitae Variant Classification Sherloc (09022015). Collection method: clinical testing. Allele origin: germline.
Comment: In summary, the available evidence is currently insufficient to determine the role of this variant in disease. Therefore, it has been classified as a Variant of Uncertain Significance. Algorithms developed to predict the effect of missense changes on protein structure and function are either unavailable or do not agree on the potential impact of this missense change (SIFT: "Deleterious"; PolyPhen-2: "Probably Damaging"; Align-GVGD: "Class C15"). This variant has not been reported in the literature in individuals with BMPR1A-related conditions. This variant is not present in population databases (ExAC no frequency). This sequence change replaces glycine with arginine at codon 203 of the BMPR1A protein (p.Gly203Arg). The glycine residue is highly conserved and there is a moderate physicochemical difference between glycine and arginine.